The following is an entry in ClinVar:

ClinVar aggregate classification (germline): Uncertain significance (1 of 4 stars; one submission).

Allele frequency attached by ClinVar (database versions not stated): gnomAD exomes below 0.00001 and 0.00001; gnomAD 0.00001; TOPMed 0.00001.
gnomAD v4.1: 15 of 1,612,894 alleles (0.00093%); highest among the groups gnomAD compares: Non-Finnish European, 0.0011%; no homozygotes.

Submission:

Labcorp Genetics (formerly Invitae), Labcorp
Classification: Uncertain significance. Last evaluated: 2022-11-03. Review status: criteria provided, single submitter. Criteria: Invitae Variant Classification Sherloc (09022015). Collection method: clinical testing. Allele origin: germline.
Comment: In summary, the available evidence is currently insufficient to determine the role of this variant in disease. Therefore, it has been classified as a Variant of Uncertain Significance. Algorithms developed to predict the effect of missense changes on protein structure and function are either unavailable or do not agree on the potential impact of this missense change (SIFT: "Deleterious"; PolyPhen-2: "Not Available"; Align-GVGD: "Class C0"). ClinVar contains an entry for this variant (Variation ID: 1350421). This variant has not been reported in the literature in individuals affected with PCLO-related conditions. This variant is present in population databases (no rsID available, gnomAD 0.0009%). This sequence change replaces aspartic acid, which is acidic and polar, with asparagine, which is neutral and polar, at codon 4833 of the PCLO protein (p.Asp4833Asn).

NM_033026.6(PCLO):c.14497G>A (p.Asp4833Asn)

Gene: PCLO (piccolo presynaptic cytomatrix protein; minus strand). Cytogenetic location: 7q21.11.
Variant type: single nucleotide variant.
Coding change: c.14497G>A on transcript NM_033026.6 (MANE Select); coding-DNA position 14497, G replaced by A.
Protein change: p.Asp4833Asn; replaces aspartic acid 4833 with asparagine.
Molecular consequence: missense variant.
Genome position (GRCh38, 1-based): chr7:82,824,335, C>T on the plus strand (G>A on the coding strand, the complement: PCLO is on the minus strand). VCF-style: chr7-82824335-C-T. GRCh37 (hg19) VCF-style: chr7-82453651-C-T.
Other names: c.14497G>A, p.Asp4833Asn (NM_014510.3); short protein forms D4833N.
Identifiers: ClinVar variation 1350421 (VCV001350421.8), dbSNP rs1382885046, ClinGen allele CA368020328.